The following is an entry in ClinVar:

NM_024408.4(NOTCH2):c.3105G>A (p.Leu1035=)

Gene: NOTCH2 (notch receptor 2; minus strand). Cytogenetic location: 1p12.
Variant type: single nucleotide variant.
Coding change: c.3105G>A on transcript NM_024408.4 (MANE Select); coding-DNA position 3105, G replaced by A.
Protein change: p.Leu1035=; no amino-acid change (leucine 1035 retained).
Molecular consequence: synonymous variant.
Genome position (GRCh38, 1-based): chr1:119,940,633, C>T on the plus strand (G>A on the coding strand, the complement: NOTCH2 is on the minus strand). VCF-style: chr1-119940633-C-T. GRCh37 (hg19) VCF-style: chr1-120483256-C-T.
Other names: c.3105G>A, p.Leu1035= (NM_001200001.2); c.3105G>A (NM_024408.3).
Identifiers: ClinVar variation 1101805 (VCV001101805.10), dbSNP rs2101103792, ClinGen allele CA420017158.

ClinVar aggregate classification (germline): Likely benign. Review status: criteria provided, multiple submitters, no conflicts (2 of 4 stars). 2 submissions from 2 submitters: Likely benign (2). Last evaluated 2025-12-16.

Conditions:
Hajdu-Cheney syndrome (HJCYS). Also called: Acroosteolysis dominant type; ACROOSTEOLYSIS WITH OSTEOPOROSIS AND CHANGES IN SKULL AND MANDIBLE; SERPENTINE FIBULA-POLYCYSTIC KIDNEY SYNDROME. Identifiers: Orphanet 955, MedGen C0917715, MONDO:0007057, OMIM 102500.
NOTCH2-related disorder. Also called: NOTCH2-related condition.

Allele frequency attached by ClinVar (database versions not stated): gnomAD exomes below 0.00001.
gnomAD v4.1: 2 of 1,614,114 alleles (0.00012%); highest among the groups gnomAD compares: Non-Finnish European, 0.00017%; no homozygotes.

Submissions (2):

PreventionGenetics, part of Exact Sciences
Classification: Likely benign for NOTCH2-related condition. Last evaluated: 2025-12-16. Review status: criteria provided, single submitter. Criteria: ACMG Guidelines, 2015. Collection method: clinical testing. Allele origin: germline.
Comment: This variant is classified as likely benign based on ACMG/AMP sequence variant interpretation guidelines (Richards et al. 2015 PMID: 25741868, with internal and published modifications).

Labcorp Genetics (formerly Invitae), Labcorp
Classification: Likely benign for Hajdu-Cheney syndrome. Last evaluated: 2019-05-08. Review status: criteria provided, single submitter. Criteria: Invitae Variant Classification Sherloc (09022015). Collection method: clinical testing. Allele origin: germline.